The following is an entry in ClinVar:

NM_005612.5(REST):c.3263A>C (p.Tyr1088Ser)

Gene: REST (RE1 silencing transcription factor; plus strand). Cytogenetic location: 4q12.
Variant type: single nucleotide variant.
Coding change: c.3263A>C on transcript NM_005612.5 (MANE Select); coding-DNA position 3263, A replaced by C.
Protein change: p.Tyr1088Ser; replaces tyrosine 1088 with serine.
Molecular consequence: missense variant.
Genome position (GRCh38, 1-based): chr4:56,932,121, A>C. VCF-style: chr4-56932121-A-C. GRCh37 (hg19) VCF-style: chr4-57798287-A-C.
Other names: c.3263A>C, p.Tyr1088Ser (NM_001193508.2, NM_001363453.3); c.3179A>C, p.Tyr1060Ser (NM_001440532.1, NM_001440533.1); short protein forms Y1088S, Y1060S.
Identifiers: ClinVar variation 4982212 (VCV004982212.1).

ClinVar aggregate classification (germline): Uncertain significance (1 of 4 stars; one submission).

Conditions:
REST-related disorder. Also called: REST-related condition.

Submission:

PreventionGenetics, part of Exact Sciences
Classification: Uncertain significance for REST-related condition. Last evaluated: 2025-02-18. Review status: criteria provided, single submitter. Criteria: ACMG Guidelines, 2015. Collection method: clinical testing. Allele origin: germline.
Comment: The REST c.3263A>C variant is predicted to result in the amino acid substitution p.Tyr1088Ser. To our knowledge, this variant has not been reported in the literature or in a large population database (gnomAD), indicating this variant is rare. At this time, the clinical significance of this variant is uncertain due to the absence of conclusive functional and genetic evidence.